The following is an entry in ClinVar:

NM_007194.4(CHEK2):c.1041del (p.Asp347_Leu348insTer)

Gene: CHEK2 (checkpoint kinase 2; minus strand). Cytogenetic location: 22q12.1.
Variant type: Deletion.
Coding change: c.1041del on transcript NM_007194.4 (MANE Select); coding-DNA position 1041, one base deleted (C; older notation c.1041delC).
Protein change: p.Asp347_Leu348insTer.
Molecular consequence: frameshift variant. On other transcripts: intron variant (3).
Genome position (GRCh38, 1-based): chr22:28,696,955, G deleted on the plus strand (C on the coding strand, the reverse complement: CHEK2 is on the minus strand). VCF-style (leftmost placement, unchanged base first): chr22-28696954-AG-A. GRCh37 (hg19) VCF-style: chr22-29092942-AG-A.
Other names: c.1041delC (NM_007194.3); c.1170del, p.Asp390_Leu391insTer (NM_001005735.3); c.378del, p.Asp126_Leu127insTer (NM_001257387.3, NM_001437942.1); c.840del, p.Asp280_Leu281insTer (NM_001349956.3); c.1134del, p.Asp378_Leu379insTer (NM_001438293.1); c.1009-1082del (NM_145862.3); c.1102-1082del (NM_001438295.1); c.1138-1082del (NM_001438294.1).
Identifiers: ClinVar variation 2757140 (VCV002757140.4), dbSNP rs2517822266, ClinGen allele CA2697552666.
Genomic context (GRCh38, chr22:28,696,954, plus strand): 5'-TTCTTACCTTTATAAGACAGTCCTCTTCTTGAGATGACAGTAAAACATTCTCTGGCTTTA[AG>A]TCACGGTGTATAATACCGTTTTCATGAAGGTACTACACAGAAAGGCAGGCATGACCCTCA-3'

ClinVar aggregate classification (germline): Pathogenic. Review status: criteria provided, multiple submitters, no conflicts (2 of 4 stars). 2 submissions from 2 submitters: Pathogenic (2). Last evaluated 2026-02-20.

Conditions:
Hereditary cancer-predisposing syndrome. Also called: Tumor predisposition; Hereditary Cancer Syndrome; Hereditary neoplastic syndrome; Neoplastic Syndromes, Hereditary. Identifiers: Orphanet 140162, MedGen C0027672, MeSH D009386, MONDO:0015356.
Familial cancer of breast. Also called: Hereditary breast cancer; BREAST CANCER, FAMILIAL; hereditary breast carcinoma. Identifiers: Orphanet 227535, MedGen C0346153, MONDO:0016419, OMIM 114480. Disease mechanism: loss of function.

Submissions (2):

Ambry Genetics
Classification: Pathogenic for Hereditary cancer-predisposing syndrome. Last evaluated: 2026-02-20. Review status: criteria provided, single submitter. Criteria: Ambry Variant Classification Scheme 2023. Collection method: clinical testing. Allele origin: germline.
Comment: The c.1041delC pathogenic mutation, located in coding exon 9 of the CHEK2 gene, results from a deletion of one nucleotide at nucleotide position 1041, causing a translational frameshift with a predicted alternate stop codon (p.L348*). This variant is considered to be rare based on population cohorts in the Genome Aggregation Database (gnomAD). This alteration is expected to result in loss of function by premature protein truncation or nonsense-mediated mRNA decay. As such, this alteration is interpreted as a disease-causing mutation.

Labcorp Genetics (formerly Invitae), Labcorp
Classification: Pathogenic for Familial cancer of breast. Last evaluated: 2023-09-01. Review status: criteria provided, single submitter. Criteria: Invitae Variant Classification Sherloc (09022015). Collection method: clinical testing. Allele origin: germline.
Comment: For these reasons, this variant has been classified as Pathogenic. This variant has not been reported in the literature in individuals affected with CHEK2-related conditions. This variant is not present in population databases (gnomAD no frequency). This sequence change creates a premature translational stop signal (p.Leu348*) in the CHEK2 gene. It is expected to result in an absent or disrupted protein product. Loss-of-function variants in CHEK2 are known to be pathogenic (PMID: 21876083, 24713400).

Literature cited by the submitters: PubMed 21876083 (cited by Labcorp Genetics (formerly Invitae), Labcorp); PubMed 24713400 (cited by Labcorp Genetics (formerly Invitae), Labcorp).